The following is an entry in ClinVar:

NM_022124.6(CDH23):c.2967C>T (p.Asn989=)

Gene: CDH23 (cadherin related 23; plus strand). Cytogenetic location: 10q22.1.
Variant type: single nucleotide variant.
Coding change: c.2967C>T on transcript NM_022124.6 (MANE Select); coding-DNA position 2967, C replaced by T.
Protein change: p.Asn989=; no amino-acid change (asparagine 989 retained).
Molecular consequence: synonymous variant.
Genome position (GRCh38, 1-based): chr10:71,706,910, C>T. VCF-style: chr10-71706910-C-T. GRCh37 (hg19) VCF-style: chr10-73466667-C-T.
Other names: c.2967C>T, p.Asn989= (NM_001171930.2, NM_001171931.2).
Identifiers: ClinVar variation 795277 (VCV000795277.10), dbSNP rs745617102, ClinGen allele CA5544408.

ClinVar aggregate classification (germline): Likely benign. Review status: criteria provided, multiple submitters, no conflicts (2 of 4 stars). 3 submissions from 3 submitters: Likely benign (3). Last evaluated 2026-01-10.

Conditions:
CDH23-related disorder. Also called: CDH23-related condition; CDH23-related disorders.

Allele frequency attached by ClinVar (database versions not stated): gnomAD 0.00001; gnomAD exomes 0.00002; ExAC 0.00004.
gnomAD v4.1: 40 of 1,601,552 alleles (0.0025%); highest among the groups gnomAD compares: Admixed American, 0.0034%; no homozygotes.

Submissions (3):

Labcorp Genetics (formerly Invitae), Labcorp
Classification: Likely benign. Last evaluated: 2026-01-10. Review status: criteria provided, single submitter. Criteria: Invitae Variant Classification Sherloc (09022015). Collection method: clinical testing. Allele origin: germline.

PreventionGenetics, part of Exact Sciences
Classification: Likely benign for CDH23-related condition. Last evaluated: 2025-01-22. Review status: criteria provided, single submitter. Criteria: ACMG Guidelines, 2015. Collection method: clinical testing. Allele origin: germline.
Comment: This variant is classified as likely benign based on ACMG/AMP sequence variant interpretation guidelines (Richards et al. 2015 PMID: 25741868, with internal and published modifications).

Blueprint Genetics
Classification: Likely benign. Last evaluated: 2022-10-07. Review status: criteria provided, single submitter. Criteria: ACMG Guidelines, 2015. Collection method: clinical testing. Allele origin: germline.